The following is an entry in ClinVar:

ClinVar aggregate classification (germline): Uncertain significance. Review status: criteria provided, multiple submitters, no conflicts (2 of 4 stars). 3 submissions from 3 submitters: Uncertain significance (3). Last evaluated 2025-10-07.

Conditions:
Inborn genetic diseases. Identifiers: MedGen C0950123, MeSH D030342.

Allele frequency attached by ClinVar (database versions not stated): TOPMed 0.00002; gnomAD 0.00001; gnomAD exomes 0.00004; ExAC 0.00005.
gnomAD v4.1: 10 of 1,613,570 alleles (0.00062%); highest among the groups gnomAD compares: Admixed American, 0.017%; no homozygotes.

Submissions (3):

Ambry Genetics
Classification: Uncertain significance for Inborn genetic diseases. Last evaluated: 2025-10-07. Review status: criteria provided, single submitter. Criteria: Ambry Variant Classification Scheme 2023. Collection method: clinical testing. Allele origin: germline.

Labcorp Genetics (formerly Invitae), Labcorp
Classification: Uncertain significance. Last evaluated: 2022-12-20. Review status: criteria provided, single submitter. Criteria: Invitae Variant Classification Sherloc (09022015). Collection method: clinical testing. Allele origin: germline.
Comment: In summary, the available evidence is currently insufficient to determine the role of this variant in disease. Therefore, it has been classified as a Variant of Uncertain Significance. Algorithms developed to predict the effect of missense changes on protein structure and function (SIFT, PolyPhen-2, Align-GVGD) all suggest that this variant is likely to be tolerated. ClinVar contains an entry for this variant (Variation ID: 1374274). This variant has not been reported in the literature in individuals affected with FOXRED1-related conditions. This variant is present in population databases (rs759921429, gnomAD 0.03%). This sequence change replaces phenylalanine, which is neutral and non-polar, with leucine, which is neutral and non-polar, at codon 474 of the FOXRED1 protein (p.Phe474Leu).

GeneDx
Classification: Uncertain significance. Last evaluated: 2022-11-02. Review status: criteria provided, single submitter. Criteria: GeneDx Variant Classification Process June 2021. Collection method: clinical testing. Allele origin: germline. Affected: yes.
Comment: In silico analysis supports that this missense variant does not alter protein structure/function; Has not been previously published as pathogenic or benign to our knowledge

NM_017547.4(FOXRED1):c.1420T>C (p.Phe474Leu)

Gene: FOXRED1 (FAD dependent oxidoreductase domain containing 1; plus strand). Cytogenetic location: 11q24.2.
Variant type: single nucleotide variant.
Coding change: c.1420T>C on transcript NM_017547.4 (MANE Select); coding-DNA position 1420, T replaced by C.
Protein change: p.Phe474Leu; replaces phenylalanine 474 with leucine.
Molecular consequence: missense variant. On other transcripts: non-coding transcript variant (2).
Genome position (GRCh38, 1-based): chr11:126,277,648, T>C. VCF-style: chr11-126277648-T-C. GRCh37 (hg19) VCF-style: chr11-126147543-T-C.
Other names: short protein forms F474L.
Identifiers: ClinVar variation 1374274 (VCV001374274.6), dbSNP rs759921429, ClinGen allele CA6354462.
Genomic context (GRCh38, chr11:126,277,648, plus strand): 5'-GAGATGGTACTGAAGGGCAGGTTCCAGACCATCGACCTGAGCCCCTTCCTCTTTACCCGC[T>C]TTTACTTGGGAGAGAAGATCCAGGAGAACAACATCATCTGAGCATGTGTGCTCTGCACTG-3'
Protein context (NP_060017.1, residues 464-484): IDLSPFLFTR[Phe474Leu]YLGEKIQENN